The following is an entry in ClinVar:

ClinVar aggregate classification (germline): Uncertain significance. Review status: criteria provided, multiple submitters, no conflicts (2 of 4 stars). 4 submissions from 4 submitters: Uncertain significance (4). Last evaluated 2026-05-29.

Conditions:
Nephronophthisis. Also called: Juvenile Nephronophthisis. Identifiers: Orphanet 655, MedGen C0687120, MONDO:0019005, HP:0000090.
NPHP4-related disorder. Also called: NPHP4-related disorders; NPHP4-related condition. Identifiers: MedGen CN239384.
Senior-Loken syndrome 4 (SLSN4). Identifiers: Orphanet 3156, MedGen C1846979, MONDO:0011756, OMIM 606996.
Nephronophthisis 4 (NPHP4). Also called: NEPHRONOPHTHISIS 4, JUVENILE. Identifiers: Orphanet 655, MedGen C1847013, MONDO:0011752, OMIM 606966.

Allele frequency attached by ClinVar (database versions not stated): gnomAD 0.00006; TOPMed 0.00008; gnomAD exomes 0.00009 and 0.00012; ExAC 0.00011.
gnomAD v4.1: 135 of 1,606,794 alleles (0.0084%); highest among the groups gnomAD compares: East Asian, 0.047%; 1 homozygote.

Submissions (4):

PreventionGenetics, part of Exact Sciences
Classification: Uncertain significance for NPHP4-related condition. Last evaluated: 2026-05-29. Review status: criteria provided, single submitter. Criteria: ACMG Guidelines, 2015. Collection method: clinical testing. Allele origin: germline.
Comment: The NPHP4 c.2849G>A variant is predicted to result in the amino acid substitution p.Arg950Gln. This variant has been reported along with a second NPHP4 variant in a patient with interstitial nephritis (Mansilla et al. 2019. PubMed ID: 31738409). This variant is reported in 0.077% of alleles in individuals of East Asian descent in gnomAD v2. However, in gnomAD v4 (available only on GRCh38), this variant is reported in 0.0467% of alleles in individuals of East Asian descent, including one homozygote. At this time, the clinical significance of this variant is uncertain due to the absence of conclusive functional and genetic evidence.

Fulgent Genetics
Classification: Uncertain significance for Nephronophthisis 4; Senior-Loken syndrome 4. Last evaluated: 2023-12-26. Review status: criteria provided, single submitter. Criteria: ACMG Guidelines, 2015. Collection method: clinical testing. Allele origin: germline.

Labcorp Genetics (formerly Invitae), Labcorp
Classification: Uncertain significance for Nephronophthisis. Last evaluated: 2022-10-25. Review status: criteria provided, single submitter. Criteria: Invitae Variant Classification Sherloc (09022015). Collection method: clinical testing. Allele origin: germline.
Comment: This sequence change replaces arginine, which is basic and polar, with glutamine, which is neutral and polar, at codon 950 of the NPHP4 protein (p.Arg950Gln). This variant is present in population databases (rs762546912, gnomAD 0.08%). This variant has not been reported in the literature in individuals affected with NPHP4-related conditions. ClinVar contains an entry for this variant (Variation ID: 291277). Algorithms developed to predict the effect of missense changes on protein structure and function (SIFT, PolyPhen-2, Align-GVGD) all suggest that this variant is likely to be tolerated. Algorithms developed to predict the effect of sequence changes on RNA splicing suggest that this variant may disrupt the consensus splice site. In summary, the available evidence is currently insufficient to determine the role of this variant in disease. Therefore, it has been classified as a Variant of Uncertain Significance.

Eurofins Ntd Llc (ga)
Classification: Uncertain significance. Last evaluated: 2016-09-23. Review status: criteria provided, single submitter. Criteria: EGL Classification Definitions 2015. Collection method: clinical testing. Allele origin: germline. Observed: 2 variant alleles, 2 heterozygotes.

NM_015102.5(NPHP4):c.2849G>A (p.Arg950Gln)

Gene: NPHP4 (nephrocystin 4; minus strand). Cytogenetic location: 1p36.31.
Variant type: single nucleotide variant.
Coding change: c.2849G>A on transcript NM_015102.5 (MANE Select); coding-DNA position 2849, G replaced by A.
Protein change: p.Arg950Gln; replaces arginine 950 with glutamine.
Molecular consequence: missense variant. On other transcripts: non-coding transcript variant (1).
Genome position (GRCh38, 1-based): chr1:5,875,069, C>T on the plus strand (G>A on the coding strand, the complement: NPHP4 is on the minus strand). VCF-style: chr1-5875069-C-T. GRCh37 (hg19) VCF-style: chr1-5935129-C-T.
Other names: c.1310G>A, p.Arg437Gln (NM_001291593.2); c.1313G>A, p.Arg438Gln (NM_001291594.2); short protein forms R950Q, R437Q, R438Q.
Identifiers: ClinVar variation 291277 (VCV000291277.11), dbSNP rs762546912, ClinGen allele CA553900.